The following is an entry in ClinVar:

NM_022455.5(NSD1):c.7519G>C (p.Gly2507Arg)

Gene: NSD1 (nuclear receptor binding SET domain protein 1; plus strand). Cytogenetic location: 5q35.3.
Variant type: single nucleotide variant.
Coding change: c.7519G>C on transcript NM_022455.5 (MANE Select); coding-DNA position 7519, G replaced by C.
Protein change: p.Gly2507Arg; replaces glycine 2507 with arginine.
Molecular consequence: missense variant.
Genome position (GRCh38, 1-based): chr5:177,294,887, G>C. VCF-style: chr5-177294887-G-C. GRCh37 (hg19) VCF-style: chr5-176721888-G-C.
Other names: c.6646G>C, p.Gly2216Arg (NM_001365684.2, NM_001409308.1, NM_172349.5); c.7519G>C, p.Gly2507Arg (NM_001409301.1, NM_001409302.1, NM_001409303.1); c.7099G>C, p.Gly2367Arg (NM_001409304.1); c.6766G>C, p.Gly2256Arg (NM_001409305.1); c.6757G>C, p.Gly2253Arg (NM_001409306.1, NM_001409307.1); c.6397G>C, p.Gly2133Arg (NM_001409309.1); short protein forms G2507R, G2133R, G2367R, G2216R, G2253R, G2256R.
Identifiers: ClinVar variation 3635582 (VCV003635582.2).

ClinVar aggregate classification (germline): Uncertain significance (1 of 4 stars; one submission).

gnomAD v4.1: 1 of 1,613,756 alleles (0.000062%); no homozygotes.

Submission:

Labcorp Genetics (formerly Invitae), Labcorp
Classification: Uncertain significance. Last evaluated: 2024-09-05. Review status: criteria provided, single submitter. Criteria: Invitae Variant Classification Sherloc (09022015). Collection method: clinical testing. Allele origin: germline.
Comment: This sequence change replaces glycine, which is neutral and non-polar, with arginine, which is basic and polar, at codon 2507 of the NSD1 protein (p.Gly2507Arg). This variant is not present in population databases (gnomAD no frequency). This variant has not been reported in the literature in individuals affected with NSD1-related conditions. Invitae Evidence Modeling of protein sequence and biophysical properties (such as structural, functional, and spatial information, amino acid conservation, physicochemical variation, residue mobility, and thermodynamic stability) indicates that this missense variant is not expected to disrupt NSD1 protein function with a negative predictive value of 95%. In summary, the available evidence is currently insufficient to determine the role of this variant in disease. Therefore, it has been classified as a Variant of Uncertain Significance.